The following is an entry in ClinVar:

ClinVar aggregate classification (germline): Uncertain significance. Review status: criteria provided, multiple submitters, no conflicts (2 of 4 stars). 4 submissions from 4 submitters: Uncertain significance (4). Last evaluated 2026-05-28.

Conditions:
Cardiovascular phenotype. Identifiers: MedGen CN230736.
Familial isolated arrhythmogenic right ventricular dysplasia. Identifiers: Orphanet 217656, MedGen C4274968, MONDO:0016342.
Arrhythmogenic right ventricular dysplasia 11. Also called: ARRHYTHMOGENIC RIGHT VENTRICULAR DYSPLASIA, FAMILIAL, 11; Arrhythmogenic Right Ventricular Dysplasia/Cardiomyopathy11; Arrhythmogenic right ventricular dysplasia 11 with mild palmoplantar keratoderma and woolly hair. Identifiers: MedGen C1864850, MONDO:0012506, OMIM 610476.
Cardiomyopathy (CMYO). Also called: Cardiomyopathies. Identifiers: Orphanet 167848, MedGen C0878544, MONDO:0004994, HP:0001638. Inheritance: Various modes of inheritance.

Allele frequency attached by ClinVar (database versions not stated): gnomAD 0.00001.
gnomAD v4.1: 4 of 1,613,890 alleles (0.00025%); highest among the groups gnomAD compares: Non-Finnish European, 0.00034%; no homozygotes.

Submissions (4):

Ambry Genetics
Classification: Uncertain significance for Cardiovascular phenotype. Last evaluated: 2026-05-28. Review status: criteria provided, single submitter. Criteria: Ambry Variant Classification Scheme 2023. Collection method: clinical testing. Allele origin: germline.
Comment: The p.V437L variant (also known as c.1309G>C), located in coding exon 10 of the DSC2 gene, results from a G to C substitution at nucleotide position 1309. The valine at codon 437 is replaced by leucine, an amino acid with highly similar properties. This variant was reported in individual(s) with features consistent with myocarditis and cardiomyopathy and has been reported in a sudden death cohort (Santori M et al. Arch Dis Child, 2015 Oct;100:952-6; Seidel F et al. J Cardiovasc Dev Dis, 2022 Jul;9:). This amino acid position is well conserved in available vertebrate species. In addition, this alteration is predicted to be tolerated by in silico analysis. Based on the available evidence, the clinical significance of this variant remains unclear.

All of Us Research Program, National Institutes of Health
Classification: Uncertain significance for Familial isolated arrhythmogenic right ventricular dysplasia. Last evaluated: 2023-11-02. Review status: criteria provided, single submitter. Criteria: ACMG Guidelines, 2015. Collection method: clinical testing. Allele origin: germline. Inheritance: Autosomal dominant inheritance. Observed: 2 variant alleles, 2 heterozygotes.
Comment: This missense variant replaces valine with leucine at codon 437 of the DSC2 protein. Computational prediction suggests that this variant may not impact protein structure and function (internally defined REVEL score threshold <= 0.5, PMID: 27666373). Splice site prediction tools suggest that this variant may not impact RNA splicing. To our knowledge, functional studies have not been performed for this variant. This variant has not been reported in individuals affected with cardiovascular disorders in the literature. This variant has been reported in an infant affected with sudden death (PMID: 26272908). This variant has not been identified in the general population by the Genome Aggregation Database (gnomAD). The available evidence is insufficient to determine the role of this variant in disease conclusively. Therefore, this variant is classified as a Variant of Uncertain Significance.

This study involves interpretation of variants in research participants for the purpose of population health screening. Participant phenotype was not available at the time of variant classification. Additional details can be found in publication PMID: 35346344, PMCID: PMC8962531

Color Diagnostics, LLC DBA Color Health
Classification: Uncertain significance for Cardiomyopathy. Last evaluated: 2023-10-12. Review status: criteria provided, single submitter. Criteria: ACMG Guidelines, 2015. Collection method: clinical testing. Allele origin: germline.
Comment: This missense variant replaces valine with leucine at codon 437 of the DSC2 protein. Computational prediction suggests that this variant may not impact protein structure and function (internally defined REVEL score threshold <= 0.5, PMID: 27666373). To our knowledge, functional studies have not been reported for this variant. This variant has been reported in an individual affected with myocarditis and dilated cardiomyopathy (PMID: 35877578) and in an infant affected with sudden death (PMID: 26272908). This variant has not been identified in the general population by the Genome Aggregation Database (gnomAD). The available evidence is insufficient to determine the role of this variant in disease conclusively. Therefore, this variant is classified as a Variant of Uncertain Significance.

Labcorp Genetics (formerly Invitae), Labcorp
Classification: Uncertain significance for Arrhythmogenic right ventricular dysplasia 11. Last evaluated: 2023-06-29. Review status: criteria provided, single submitter. Criteria: Invitae Variant Classification Sherloc (09022015). Collection method: clinical testing. Allele origin: germline.
Comment: This sequence change replaces valine, which is neutral and non-polar, with leucine, which is neutral and non-polar, at codon 437 of the DSC2 protein (p.Val437Leu). This variant is not present in population databases (gnomAD no frequency). This variant has not been reported in the literature in individuals affected with DSC2-related conditions. ClinVar contains an entry for this variant (Variation ID: 925401). Advanced modeling of protein sequence and biophysical properties (such as structural, functional, and spatial information, amino acid conservation, physicochemical variation, residue mobility, and thermodynamic stability) has been performed at Invitae for this missense variant, however the output from this modeling did not meet the statistical confidence thresholds required to predict the impact of this variant on DSC2 protein function. In summary, the available evidence is currently insufficient to determine the role of this variant in disease. Therefore, it has been classified as a Variant of Uncertain Significance.

Literature cited by the submitters: PubMed 26272908 (cited by 3 submitters); PubMed 35877578 (cited by Ambry Genetics and Color Diagnostics, LLC DBA Color Health).

NM_024422.6(DSC2):c.1309G>C (p.Val437Leu)

Gene: DSC2 (desmocollin 2; minus strand). Cytogenetic location: 18q12.1.
Variant type: single nucleotide variant.
Coding change: c.1309G>C on transcript NM_024422.6 (MANE Select); coding-DNA position 1309, G replaced by C.
Protein change: p.Val437Leu; replaces valine 437 with leucine.
Molecular consequence: missense variant.
Genome position (GRCh38, 1-based): chr18:31,080,307, C>G on the plus strand (G>C on the coding strand, the complement: DSC2 is on the minus strand). VCF-style: chr18-31080307-C-G. GRCh37 (hg19) VCF-style: chr18-28660273-C-G.
Other names: c.1309G>C, p.Val437Leu (NM_004949.5); short protein forms V437L.
Identifiers: ClinVar variation 925401 (VCV000925401.10), dbSNP rs775579662, ClinGen allele CA402108848.
Genomic context (GRCh38, chr18:31,080,307, plus strand): 5'-TTGCTGTGCTCATGGCTGATCTTGGACTAGCCTCTCTGGAAAATGGAGCTTCATTAACTA[C>G]ACCAATTTGCAAGATCATCTGTTGCTTTTCTTCATAATTCAAAGGCTACGAAAGCAAATG-3'
Protein context (NP_077740.1, residues 427-447): EKQQMILQIG[Val437Leu]VNEAPFSREA